The following is an entry in ClinVar:

ClinVar aggregate classification (germline): Uncertain significance (1 of 4 stars; one submission).

Conditions:
Generalized epilepsy with febrile seizures plus, type 7 (GEFSP7). Also called: GEFS+, TYPE 7. Identifiers: Orphanet 36387, MedGen C2751778, MONDO:0013470, OMIM 613863.
Neuropathy, hereditary sensory and autonomic, type 2A (HSAN2A). Also called: WNK1-Related HSAN2 (HSAN2A); MORVAN DISEASE; NEUROPATHY, CONGENITAL SENSORY; NEUROPATHY, HEREDITARY SENSORY RADICULAR, AUTOSOMAL RECESSIVE; NEUROPATHY, HEREDITARY SENSORY, TYPE IIA; NEUROPATHY, PROGRESSIVE SENSORY, OF CHILDREN. Identifiers: Orphanet 970, MedGen C2752089, MONDO:0024309, OMIM 201300.

Submission:

Labcorp Genetics (formerly Invitae), Labcorp
Classification: Uncertain significance for Neuropathy, hereditary sensory and autonomic, type 2A; Generalized epilepsy with febrile seizures plus, type 7. Last evaluated: 2018-09-24. Review status: criteria provided, single submitter. Criteria: Invitae Variant Classification Sherloc (09022015). Collection method: clinical testing. Allele origin: germline.
Comment: This sequence change replaces glutamic acid with lysine at codon 1966 of the SCN9A protein (p.Glu1966Lys). The glutamic acid residue is highly conserved and there is a small physicochemical difference between glutamic acid and lysine. This variant is not present in population databases (ExAC no frequency). This variant has not been reported in the literature in individuals with SCN9A-related disease. In summary, the available evidence is currently insufficient to determine the role of this variant in disease. Therefore, it has been classified as a Variant of Uncertain Significance.

NM_001365536.1(SCN9A):c.5929G>A (p.Glu1977Lys)

Genes: SCN9A (sodium voltage-gated channel alpha subunit 9; minus strand), SCN1A-AS1 (SCN1A and SCN9A antisense RNA 1; plus strand). Cytogenetic location: 2q24.3.
Variant type: single nucleotide variant.
Coding change: c.5929G>A on transcript NM_001365536.1 (MANE Select); coding-DNA position 5929, G replaced by A.
Protein change: p.Glu1977Lys; replaces glutamic acid 1977 with lysine.
Molecular consequence: missense variant.
Genome position (GRCh38, 1-based): chr2:166,198,710, C>T on the plus strand (G>A on the coding strand, the complement: SCN9A is on the minus strand). VCF-style: chr2-166198710-C-T. GRCh37 (hg19) VCF-style: chr2-167055220-C-T.
Other names: c.5896G>A, p.Glu1966Lys (NM_002977.4); short protein forms E1966K, E1977K.
Identifiers: ClinVar variation 658681 (VCV000658681.9), dbSNP rs1553472666, ClinGen allele CA349051023.